The following is an entry in ClinVar:

ClinVar aggregate classification (germline): Likely pathogenic (1 of 4 stars; one submission).

Conditions:
Usher syndrome type 2A. Also called: RETINAL DISEASE IN USHER SYNDROME TYPE IIA, MODIFIER OF; USHER SYNDROME, TYPE IIA. Identifiers: Orphanet 231178, Orphanet 886, MedGen C1848634, MONDO:0010169, OMIM 276901.

Submission:

Myriad Genetics, Inc.
Classification: Likely pathogenic for Usher syndrome type 2A. Last evaluated: 2022-01-02. Review status: criteria provided, single submitter. Criteria: Myriad Women's Health Autosomal Recessive and X-Linked Classification Criteria (2021). Collection method: clinical testing. Allele origin: unknown.
Comment: NM_206933.2(USH2A):c.1394_1395delCTinsA(P465Qfs*16) is expected to be pathogenic in the context of USH2A-related disorders. This variant is predicted to lead to an abnormal or absent protein product due to the creation of a premature termination codon in USH2A, a gene where loss-of-function variants are known to be pathogenic. Please note: this variant was assessed in the context of healthy population screening.

NM_206933.4(USH2A):c.1394_1395delinsA (p.Pro465fs)

Gene: USH2A (usherin; minus strand). Cytogenetic location: 1q41.
Variant type: Indel.
Coding change: c.1394_1395delinsA on transcript NM_206933.4 (MANE Select); coding-DNA positions 1394 to 1395, CT replaced by A.
Protein change: p.Pro465fs; shifts the reading frame from proline 465.
Molecular consequence: frameshift variant.
Genome position (GRCh38, 1-based): chr1:216,323,629-216,323,630, AG replaced by T on the plus strand (CT replaced by A on the coding strand, the reverse complement: USH2A is on the minus strand). VCF-style: chr1-216323629-AG-T. GRCh37 (hg19) VCF-style: chr1-216496971-AG-T.
Other names: c.1394_1395delinsA, p.Pro465fs (NM_007123.6); short protein forms P465fs.
Identifiers: ClinVar variation 1726756 (VCV001726756.2), dbSNP rs2527434136, ClinGen allele CA2580062218.
Genomic context (GRCh38, chr1:216,323,629, plus strand): 5'-TATTTGCGTGGCTTTTACGAACTCTTGAAGAGATGGGGTATTATAGAAGTTATTGTATCC[AG>T]GACGATAATTTGGTCCAGGTGTCAGGATGCTAAATGTGACATTGCCACGGGAATATGGAG-3'